The following is an entry in ClinVar:

ClinVar aggregate classification (germline): Likely benign (1 of 4 stars; one submission).

Allele frequency attached by ClinVar (database versions not stated): gnomAD exomes below 0.00001.
gnomAD v4.1: 1 of 1,610,814 alleles (0.000062%); highest among the groups gnomAD compares: Middle Eastern, 0.017%; no homozygotes.

Submission:

GeneDx
Classification: Likely benign. Last evaluated: 2016-09-21. Review status: criteria provided, single submitter. Criteria: GeneDx Variant Classification (06012015). Collection method: clinical testing. Allele origin: germline. Affected: yes.
Comment: This variant is considered likely benign or benign based on one or more of the following criteria: it is a conservative change, it occurs at a poorly conserved position in the protein, it is predicted to be benign by multiple in silico algorithms, and/or has population frequency not consistent with disease.

NM_001271.4(CHD2):c.3456-20C>G

Gene: CHD2 (chromodomain helicase DNA binding protein 2; plus strand). Cytogenetic location: 15q26.1.
Variant type: single nucleotide variant.
Coding change: c.3456-20C>G on transcript NM_001271.4 (MANE Select); 20 bases into the intron before coding-DNA position 3456, C replaced by G.
Molecular consequence: intron variant.
Genome position (GRCh38, 1-based): chr15:92,992,839, C>G. VCF-style: chr15-92992839-C-G. GRCh37 (hg19) VCF-style: chr15-93536069-C-G.
Identifiers: ClinVar variation 389448 (VCV000389448.1), dbSNP rs1057523432, ClinGen allele CA16607092.